The following is an entry in ClinVar:

NM_004104.5(FASN):c.2108G>A (p.Arg703Gln)

Gene: FASN (fatty acid synthase; minus strand). Cytogenetic location: 17q25.3.
Variant type: single nucleotide variant.
Coding change: c.2108G>A on transcript NM_004104.5 (MANE Select); coding-DNA position 2108, G replaced by A.
Protein change: p.Arg703Gln; replaces arginine 703 with glutamine.
Molecular consequence: missense variant.
Genome position (GRCh38, 1-based): chr17:82,089,165, C>T on the plus strand (G>A on the coding strand, the complement: FASN is on the minus strand). VCF-style: chr17-82089165-C-T. GRCh37 (hg19) VCF-style: chr17-80047041-C-T.
Other names: short protein forms R703Q.
Identifiers: ClinVar variation 2911510 (VCV002911510.3), dbSNP rs145694238, ClinGen allele CA8852894.

ClinVar aggregate classification (germline): Uncertain significance (1 of 4 stars; one submission).

Conditions:
Epileptic encephalopathy. Identifiers: MedGen C0543888, HP:0200134.

Allele frequency attached by ClinVar (database versions not stated): ESP Exome Variant Server 0.00008; ExAC 0.00003; gnomAD 0.00004; TOPMed 0.00003.
gnomAD v4.1: 23 of 1,578,402 alleles (0.0015%); highest among the groups gnomAD compares: Middle Eastern, 0.017%; no homozygotes.

Submission:

Labcorp Genetics (formerly Invitae), Labcorp
Classification: Uncertain significance for Epileptic encephalopathy. Last evaluated: 2025-04-22. Review status: criteria provided, single submitter. Criteria: Invitae Variant Classification Sherloc (09022015). Collection method: clinical testing. Allele origin: germline.
Comment: This sequence change replaces arginine, which is basic and polar, with glutamine, which is neutral and polar, at codon 703 of the FASN protein (p.Arg703Gln). This variant is present in population databases (rs145694238, gnomAD 0.001%). This variant has not been reported in the literature in individuals affected with FASN-related conditions. ClinVar contains an entry for this variant (Variation ID: 2911510). An algorithm developed to predict the effect of missense changes on protein structure and function outputs the following: PolyPhen-2: "Benign". The glutamine amino acid residue is found in multiple mammalian species, which suggests that this missense change does not adversely affect protein function. In summary, the available evidence is currently insufficient to determine the role of this variant in disease. Therefore, it has been classified as a Variant of Uncertain Significance.